The following is an entry in ClinVar:

ClinVar aggregate classification (germline): Uncertain significance (1 of 4 stars; one submission).

Conditions:
Cardiovascular phenotype. Identifiers: MedGen CN230736.

Allele frequency attached by ClinVar (database versions not stated): TOPMed below 0.00001.

Submission:

Ambry Genetics
Classification: Uncertain significance for Cardiovascular phenotype. Last evaluated: 2023-12-29. Review status: criteria provided, single submitter. Criteria: Ambry Variant Classification Scheme 2023. Collection method: clinical testing. Allele origin: germline.
Comment: The p.A191V variant (also known as c.572C>T), located in coding exon 1 of the ALPK3 gene, results from a C to T substitution at nucleotide position 572. The alanine at codon 191 is replaced by valine, an amino acid with similar properties. This amino acid position is highly conserved in available vertebrate species. In addition, this alteration is predicted to be tolerated by in silico analysis. Since supporting evidence is limited at this time, the clinical significance of this alteration remains unclear.

NM_020778.5(ALPK3):c.-35C>T

Gene: ALPK3 (alpha kinase 3; plus strand). Cytogenetic location: 15q25.3.
Variant type: single nucleotide variant.
Coding change: c.-35C>T on transcript NM_020778.5 (MANE Select); 35 bases upstream of the start codon, C replaced by T.
Molecular consequence: 5 prime UTR variant.
Genome position (GRCh38, 1-based): chr15:84,817,418, C>T. VCF-style: chr15-84817418-C-T. GRCh37 (hg19) VCF-style: chr15-85360649-C-T.
Identifiers: ClinVar variation 3227491 (VCV003227491.1), dbSNP rs1963371933, ClinGen allele CA393369186.